The following is an entry in ClinVar:

NM_000891.3(KCNJ2):c.322C>G (p.Leu108Val)

Gene: KCNJ2 (potassium inwardly rectifying channel subfamily J member 2; plus strand). Cytogenetic location: 17q24.3.
Variant type: single nucleotide variant.
Coding change: c.322C>G on transcript NM_000891.3 (MANE Select); coding-DNA position 322, C replaced by G.
Protein change: p.Leu108Val; replaces leucine 108 with valine.
Molecular consequence: missense variant.
Genome position (GRCh38, 1-based): chr17:70,175,361, C>G. VCF-style: chr17-70175361-C-G. GRCh37 (hg19) VCF-style: chr17-68171502-C-G.
Other names: short protein forms L108V.
Identifiers: ClinVar variation 1387485 (VCV001387485.7), dbSNP rs371331394, ClinGen allele CA400860346.

ClinVar aggregate classification (germline): Uncertain significance. Review status: criteria provided, multiple submitters, no conflicts (2 of 4 stars). 2 submissions from 2 submitters: Uncertain significance (2). Last evaluated 2025-08-05.

Conditions:
Short QT syndrome type 3. Identifiers: Orphanet 51083, MedGen C1865018, MONDO:0012314, OMIM 609622.
Andersen Tawil syndrome (LQT7). Also called: ANDERSEN CARDIODYSRHYTHMIC PERIODIC PARALYSIS; Andersen Syndrome; PERIODIC PARALYSIS, POTASSIUM-SENSITIVE CARDIODYSRHYTHMIC TYPE; LONG QT SYNDROME 7; Potassium-sensitive periodic paralysis, ventricular ectopy, and dysmorphic features. Identifiers: Orphanet 37553, MedGen C1563715, MONDO:0008222, OMIM 170390.
Atrial fibrillation, familial, 9 (ATFB9). Identifiers: MedGen C3151431, MONDO:0013513, OMIM 613980.

Allele frequency attached by ClinVar (database versions not stated): gnomAD exomes 0.00001.
gnomAD v4.1: 3 of 1,614,056 alleles (0.00019%); highest among the groups gnomAD compares: Admixed American, 0.0033%; no homozygotes.

Submissions (2):

Labcorp Genetics (formerly Invitae), Labcorp
Classification: Uncertain significance for Short QT syndrome type 3; Andersen Tawil syndrome. Last evaluated: 2025-08-05. Review status: criteria provided, single submitter. Criteria: Invitae Variant Classification Sherloc (09022015). Collection method: clinical testing. Allele origin: germline.
Comment: This sequence change replaces leucine, which is neutral and non-polar, with valine, which is neutral and non-polar, at codon 108 of the KCNJ2 protein (p.Leu108Val). This variant is present in population databases (no rsID available, gnomAD 0.003%). This missense change has been observed in individual(s) with KCNJ2-related conditions (PMID: 32969603). ClinVar contains an entry for this variant (Variation ID: 1387485). Invitae Evidence Modeling of protein sequence and biophysical properties (such as structural, functional, and spatial information, amino acid conservation, physicochemical variation, residue mobility, and thermodynamic stability) indicates that this missense variant is not expected to disrupt KCNJ2 protein function with a negative predictive value of 95%. In summary, the available evidence is currently insufficient to determine the role of this variant in disease. Therefore, it has been classified as a Variant of Uncertain Significance.

Fulgent Genetics
Classification: Uncertain significance for Andersen Tawil syndrome; Short QT syndrome type 3; Atrial fibrillation, familial, 9. Last evaluated: 2021-09-24. Review status: criteria provided, single submitter. Criteria: ACMG Guidelines, 2015. Collection method: clinical testing. Allele origin: unknown.

Literature cited by the submitters: PubMed 32969603 (cited by Labcorp Genetics (formerly Invitae), Labcorp).